The following is an entry in ClinVar:

NM_005121.3(MED13):c.4574C>T (p.Ser1525Leu)

Gene: MED13 (mediator complex subunit 13; minus strand). Cytogenetic location: 17q23.2.
Variant type: single nucleotide variant.
Coding change: c.4574C>T on transcript NM_005121.3 (MANE Select); coding-DNA position 4574, C replaced by T.
Protein change: p.Ser1525Leu; replaces serine 1525 with leucine.
Molecular consequence: missense variant.
Genome position (GRCh38, 1-based): chr17:61,965,276, G>A on the plus strand (C>T on the coding strand, the complement: MED13 is on the minus strand). VCF-style: chr17-61965276-G-A. GRCh37 (hg19) VCF-style: chr17-60042637-G-A.
Other names: short protein forms S1525L.
Identifiers: ClinVar variation 1878523 (VCV001878523.1), dbSNP rs2509242884, ClinGen allele CA400496820.

ClinVar aggregate classification (germline): Uncertain significance (1 of 4 stars; one submission).

Conditions:
Intellectual developmental disorder 61. Also called: INTELLECTUAL DEVELOPMENTAL DISORDER, AUTOSOMAL DOMINANT 61; MENTAL RETARDATION, AUTOSOMAL DOMINANT 61. Identifiers: MedGen C5231400, MONDO:0032485, OMIM 618009.

Submission:

Neuberg Centre For Genomic Medicine, NCGM
Classification: Uncertain significance for Intellectual developmental disorder 61. Review status: criteria provided, single submitter. Criteria: ACMG Guidelines, 2015. Collection method: clinical testing. Allele origin: germline. Affected: yes.
Comment: The missense variant p.S1525L in MED13 (NM_005121.2) has not been reported previously as a pathogenic variant nor as a benign variant, to our knowledge. The p.S1525L variant is novel (not in any individuals) in gnomAD Exomes and is novel (not in any individuals) in 1000 Genomes. There is a large physicochemical difference between serine and leucine, which is likely to impact secondary protein structure as these residues differ in polarity, charge, size and/or other properties. The p.S1525L missense variant is predicted to be damaging by both SIFT and PolyPhen2. The nucleotide c.4574 in MED13 is predicted conserved by GERP++ and PhyloP across 100 vertebrates. For these reasons, this variant has been classified as Uncertain Significance